The following is an entry in ClinVar:

ClinVar aggregate classification (germline): Pathogenic (1 of 4 stars; one submission).

Conditions:
Neurofibromatosis, type 1 (NF1). Also called: Peripheral type neurofibromatosis; Neurofibromatosis, type I; VON RECKLINGHAUSEN DISEASE; NEUROFIBROMATOSIS, TYPE I, SOMATIC. Identifiers: Orphanet 636, MedGen C0027831, MONDO:0018975, OMIM 162200. Disease mechanism: loss of function.

Submission:

Labcorp Genetics (formerly Invitae), Labcorp
Classification: Pathogenic for Neurofibromatosis, type 1. Last evaluated: 2019-11-13. Review status: criteria provided, single submitter. Criteria: Invitae Variant Classification Sherloc (09022015). Collection method: clinical testing. Allele origin: germline.
Comment: For these reasons, this variant has been classified as Pathogenic. Loss-of-function variants in NF1 are known to be pathogenic (PMID: 10712197, 23913538). This variant has not been reported in the literature in individuals with NF1-related conditions. This variant is not present in population databases (ExAC no frequency). This sequence change creates a premature translational stop signal (p.Thr774Hisfs*2) in the NF1 gene. It is expected to result in an absent or disrupted protein product.

Literature cited by the submitters: PubMed 10712197; PubMed 23913538.

NM_001042492.3(NF1):c.2319dup (p.Thr774fs)

Gene: NF1 (neurofibromin 1; plus strand). Cytogenetic location: 17q11.2.
Variant type: Duplication.
Coding change: c.2319dup on transcript NM_001042492.3 (MANE Select); coding-DNA position 2319, one base duplicated (C; older notation c.2319dupC).
Protein change: p.Thr774fs; shifts the reading frame from threonine 774.
Molecular consequence: frameshift variant.
Genome position (GRCh38, 1-based): chr17:31,227,285, C duplicated. VCF-style (leftmost placement, unchanged base first): chr17-31227284-A-AC. GRCh37 (hg19) VCF-style: chr17-29554302-A-AC.
Other names: c.2319dup, p.Thr774Hisfs (NM_000267.4); short protein forms T774fs.
Identifiers: ClinVar variation 947265 (VCV000947265.6), dbSNP rs2067032198, ClinGen allele CA1139665424.